The following is an entry in ClinVar:

NM_003126.4(SPTA1):c.2889C>T (p.Asn963=)

Gene: SPTA1 (spectrin alpha, erythrocytic 1; minus strand). Cytogenetic location: 1q23.1.
Variant type: single nucleotide variant.
Coding change: c.2889C>T on transcript NM_003126.4 (MANE Select); coding-DNA position 2889, C replaced by T.
Protein change: p.Asn963=; no amino-acid change (asparagine 963 retained).
Molecular consequence: synonymous variant.
Genome position (GRCh38, 1-based): chr1:158,656,573, G>A on the plus strand (C>T on the coding strand, the complement: SPTA1 is on the minus strand). VCF-style: chr1-158656573-G-A. GRCh37 (hg19) VCF-style: chr1-158626363-G-A.
Other names: p.Asn963=.
Identifiers: ClinVar variation 1331029 (VCV001331029.32), dbSNP rs371639635, ClinGen allele CA1183249.

ClinVar aggregate classification (germline): Benign/Likely benign. Review status: criteria provided, multiple submitters, no conflicts (2 of 4 stars). 5 submissions from 5 submitters: Benign (1); Likely benign (4). Last evaluated 2026-01-21.

Allele frequency attached by ClinVar (database versions not stated): gnomAD exomes 0.00017 and 0.00030; ESP Exome Variant Server 0.00025; ExAC 0.00027; 1000 Genomes Project 30x 0.00062; 1000 Genomes Project 0.00080; gnomAD 0.00086 and 0.00094; TOPMed 0.00100.
gnomAD v4.1: 390 of 1,613,490 alleles (0.024%); highest among the groups gnomAD compares: African/African-American, 0.32%; 1 homozygote.

Submissions (5):

Labcorp Genetics (formerly Invitae), Labcorp
Classification: Benign. Last evaluated: 2026-01-21. Review status: criteria provided, single submitter. Criteria: Invitae Variant Classification Sherloc (09022015). Collection method: clinical testing. Allele origin: germline.

Mayo Clinic Laboratories, Mayo Clinic
Classification: Likely benign. Last evaluated: 2025-10-27. Review status: criteria provided, single submitter. Criteria: ACMG Guidelines, 2015. Collection method: clinical testing. Allele origin: germline. Observed: 4 variant alleles.

CeGaT Center for Human Genetics Tuebingen
Classification: Likely benign. Last evaluated: 2024-04-01. Review status: criteria provided, single submitter. Criteria: CeGaT Center For Human Genetics Tuebingen Variant Classification Criteria Version 2. Collection method: clinical testing. Allele origin: germline. Affected: yes. Observed: 1 variant allele.
Comment: SPTA1: BP4, BP7

ARUP Laboratories, Molecular Genetics and Genomics, ARUP Laboratories
Classification: Likely benign. Last evaluated: 2023-11-03. Review status: criteria provided, single submitter. Criteria: ARUP Molecular Germline Variant Investigation Process 2024. Collection method: clinical testing. Allele origin: germline.

Breakthrough Genomics
Classification: Likely benign. Review status: criteria provided, single submitter. Criteria: ACMG Guidelines, 2015. Collection method: not provided. Allele origin: germline. Inheritance: Autosomal recessive inheritance. Affected: yes.